The following is an entry in ClinVar:

ClinVar aggregate classification (germline): Pathogenic/Likely pathogenic. Review status: criteria provided, multiple submitters, no conflicts (2 of 4 stars). 5 submissions from 5 submitters: Pathogenic (3); Likely pathogenic (2). Last evaluated 2025-11-03.

Conditions:
Familial adenomatous polyposis 1 (FAP1). Also called: FAMILIAL ADENOMATOUS POLYPOSIS 1, ATTENUATED; POLYPOSIS, ADENOMATOUS INTESTINAL. Identifiers: MedGen C2713442, MONDO:0021056, OMIM 175100. Disease mechanism: loss of function.
Hereditary cancer-predisposing syndrome. Also called: Neoplastic Syndromes, Hereditary; Tumor predisposition; Hereditary neoplastic syndrome; Hereditary Cancer Syndrome. Identifiers: Orphanet 140162, MedGen C0027672, MeSH D009386, MONDO:0015356.

Allele frequency attached by ClinVar (database versions not stated): TOPMed 0.00001.
gnomAD v4.1: 2 of 1,613,960 alleles (0.00012%); highest among the groups gnomAD compares: Non-Finnish European, 0.00017%; no homozygotes.

Submissions (5):

Labcorp Genetics (formerly Invitae), Labcorp
Classification: Pathogenic for Familial adenomatous polyposis 1. Last evaluated: 2025-11-03. Review status: criteria provided, single submitter. Criteria: Invitae Variant Classification Sherloc (09022015). Collection method: clinical testing. Allele origin: germline.
Comment: This sequence change creates a premature translational stop signal (p.Arg2226*) in the APC gene. While this is not anticipated to result in nonsense mediated decay, it is expected to disrupt the last 618 amino acid(s) of the APC protein. This variant is not present in population databases (gnomAD no frequency). This variant has not been reported in the literature in individuals affected with APC-related conditions. ClinVar contains an entry for this variant (Variation ID: 921028). This variant disrupts a region of the APC protein in which other variant(s) (p.Tyr2645Lysfs*14) have been determined to be pathogenic (PMID: 1316610, 8381579, 9824584, 22135120, 27081525; internal data). This suggests that this is a clinically significant region of the protein, and that variants that disrupt it are likely to be disease-causing. For these reasons, this variant has been classified as Pathogenic.

Ambry Genetics
Classification: Likely pathogenic for Hereditary cancer-predisposing syndrome. Last evaluated: 2025-08-11. Review status: criteria provided, single submitter. Criteria: Ambry Variant Classification Scheme 2023. Collection method: clinical testing. Allele origin: germline.
Comment: The p.R2226* variant (also known as c.6676C>T), located in coding exon 15 of the APC gene, results from a C to T substitution at nucleotide position 6676. This changes the amino acid from an arginine to a stop codon within coding exon 15. This alteration occurs at the 3' terminus of theAPC gene, is not expected to trigger nonsense-mediated mRNA decay, and impacts the last 21.7% of the protein. However, premature stop codons are typically deleterious in nature, the impacted region is critical for protein function, and a significant portion of the protein is affected (Ambry internal data). This variant is considered to be rare based on population cohorts in the Genome Aggregation Database (gnomAD). Based on the majority of available evidence to date, this variant is likely to be pathogenic.

CeGaT Center for Human Genetics Tuebingen
Classification: Likely pathogenic. Last evaluated: 2025-04-01. Review status: criteria provided, single submitter. Criteria: CeGaT Center For Human Genetics Tuebingen Variant Classification Criteria Version 2. Collection method: clinical testing. Allele origin: germline. Affected: yes. Observed: 1 variant allele.
Comment: APC: PVS1:Strong, PM2

Myriad Genetics, Inc.
Classification: Pathogenic for Familial adenomatous polyposis 1. Last evaluated: 2023-05-16. Review status: criteria provided, single submitter. Criteria: Myriad Autosomal Dominant, Autosomal Recessive and X-Linked Classification Criteria (2023). Collection method: clinical testing. Allele origin: unknown.
Comment: This variant is considered pathogenic. This variant creates a termination codon and is predicted to result in premature protein truncation.

Color Diagnostics, LLC DBA Color Health
Classification: Pathogenic for Hereditary cancer-predisposing syndrome. Last evaluated: 2020-01-15. Review status: criteria provided, single submitter. Criteria: ACMG Guidelines, 2015. Collection method: clinical testing. Allele origin: germline.
Comment: This variant changes 1 nucleotide in exon 16 of the APC gene, creating a premature translation stop signal. This variant is expected to result in an absent or non-functional protein product. This variant has not been identified in the general population by the Genome Aggregation Database (gnomAD). Loss of APC function is a known mechanism of disease. Based on the available evidence, this variant is classified as Pathogenic.

Literature cited by the submitters: PubMed 1316610 (cited by Labcorp Genetics (formerly Invitae), Labcorp); PubMed 8381579 (cited by Labcorp Genetics (formerly Invitae), Labcorp); PubMed 9824584 (cited by Labcorp Genetics (formerly Invitae), Labcorp); PubMed 22135120 (cited by Labcorp Genetics (formerly Invitae), Labcorp); PubMed 27081525 (cited by Labcorp Genetics (formerly Invitae), Labcorp).

NM_000038.6(APC):c.6676C>T (p.Arg2226Ter)

Gene: APC (APC regulator of Wnt signaling pathway; plus strand). Cytogenetic location: 5q22.2.
Variant type: single nucleotide variant.
Coding change: c.6676C>T on transcript NM_000038.6 (MANE Select); coding-DNA position 6676, C replaced by T.
Protein change: p.Arg2226Ter; replaces arginine 2226 with a stop codon.
Molecular consequence: nonsense.
Genome position (GRCh38, 1-based): chr5:112,842,270, C>T. VCF-style: chr5-112842270-C-T. GRCh37 (hg19) VCF-style: chr5-112177967-C-T.
Other names: c.6676C>T, p.Arg2226Ter (NM_001127510.3, NM_001354895.2); c.6622C>T, p.Arg2208Ter (NM_001127511.3); c.6730C>T, p.Arg2244Ter (NM_001354896.2); c.6706C>T, p.Arg2236Ter (NM_001354897.2); c.6601C>T, p.Arg2201Ter (NM_001354898.2); c.6592C>T, p.Arg2198Ter (NM_001354899.2); c.6553C>T, p.Arg2185Ter (NM_001354900.2); c.6499C>T, p.Arg2167Ter (NM_001354901.2); and 5 more; short protein forms R2125*, R2236*, R2198*, R2226*, R2244*, R1943*, R2167*, R2185*.
Identifiers: ClinVar variation 921028 (VCV000921028.16), dbSNP rs1064794626, ClinGen allele CA16035931.
Genomic context (GRCh38, chr5:112,842,270, plus strand): 5'-AATTCAGAAATTTCAGGCCAAATGAAACAGCCCCTTCAAGCAAACATGCCTTCAATCTCT[C>T]GAGGCAGGACAATGATTCATATTCCAGGAGTTCGAAATAGCTCCTCAAGTACAAGTCCTG-3'